The following is an entry in ClinVar:

ClinVar aggregate classification (germline): Uncertain significance (1 of 4 stars; one submission).

Conditions:
Congenital disorder of deglycosylation (CDDG). Identifiers: MedGen C3808991, MONDO:0031376.

Submission:

Labcorp Genetics (formerly Invitae), Labcorp
Classification: Uncertain significance for Congenital disorder of deglycosylation. Last evaluated: 2025-03-09. Review status: criteria provided, single submitter. Criteria: Invitae Variant Classification Sherloc (09022015). Collection method: clinical testing. Allele origin: germline.
Comment: This sequence change replaces histidine, which is basic and polar, with proline, which is neutral and non-polar, at codon 148 of the NGLY1 protein (p.His148Pro). This variant is not present in population databases (gnomAD no frequency). This variant has not been reported in the literature in individuals affected with NGLY1-related conditions. Invitae Evidence Modeling of protein sequence and biophysical properties (such as structural, functional, and spatial information, amino acid conservation, physicochemical variation, residue mobility, and thermodynamic stability) indicates that this missense variant is not expected to disrupt NGLY1 protein function with a negative predictive value of 80%. In summary, the available evidence is currently insufficient to determine the role of this variant in disease. Therefore, it has been classified as a Variant of Uncertain Significance.

NM_018297.4(NGLY1):c.443A>C (p.His148Pro)

Gene: NGLY1 (N-glycanase 1; minus strand). Cytogenetic location: 3p24.2.
Variant type: single nucleotide variant.
Coding change: c.443A>C on transcript NM_018297.4 (MANE Select); coding-DNA position 443, A replaced by C.
Protein change: p.His148Pro; replaces histidine 148 with proline.
Molecular consequence: missense variant.
Genome position (GRCh38, 1-based): chr3:25,764,115, T>G on the plus strand (A>C on the coding strand, the complement: NGLY1 is on the minus strand). VCF-style: chr3-25764115-T-G. GRCh37 (hg19) VCF-style: chr3-25805606-T-G.
Other names: c.443A>C, p.His148Pro (NM_001145293.2, NM_001145295.2); c.317A>C, p.His106Pro (NM_001145294.2); short protein forms H106P, H148P.
Identifiers: ClinVar variation 4729054 (VCV004729054.1).